The following is an entry in ClinVar:

NM_001277062.2(MFF):c.181+16T>C

Gene: MFF (mitochondrial fission factor; plus strand). Cytogenetic location: 2q36.3.
Variant type: single nucleotide variant.
Coding change: c.181+16T>C on transcript NM_001277062.2 (MANE Select); 16 bases into the intron after coding-DNA position 181, T replaced by C.
Molecular consequence: intron variant.
Genome position (GRCh38, 1-based): chr2:227,330,862, T>C. VCF-style: chr2-227330862-T-C. GRCh37 (hg19) VCF-style: chr2-228195578-T-C.
Other names: c.259+16T>C (NM_001277061.2, NM_020194.5); c.181+16T>C (NM_001277063.2, NM_001277064.2, NM_001277065.2 and 2 more transcripts); c.31+16T>C (NM_001277067.1).
Identifiers: ClinVar variation 669177 (VCV000669177.1), dbSNP rs201332912, ClinGen allele CA765691819.

ClinVar aggregate classification (germline): Likely benign (1 of 4 stars; one submission).

Allele frequency attached by ClinVar (database versions not stated): TOPMed 0.00001.

Submission:

GeneDx
Classification: Likely benign. Last evaluated: 2018-06-20. Review status: criteria provided, single submitter. Criteria: GeneDx Variant Classification (06012015). Collection method: clinical testing. Allele origin: germline. Affected: yes.
Comment: This variant is considered likely benign or benign based on one or more of the following criteria: it is a conservative change, it occurs at a poorly conserved position in the protein, it is predicted to be benign by multiple in silico algorithms, and/or has population frequency not consistent with disease.